The following is an entry in ClinVar:

NM_020971.3(SPTBN4):c.3327G>A (p.Glu1109=)

Gene: SPTBN4 (spectrin beta, non-erythrocytic 4; plus strand). Cytogenetic location: 19q13.2.
Variant type: single nucleotide variant.
Coding change: c.3327G>A on transcript NM_020971.3 (MANE Select); coding-DNA position 3327, G replaced by A.
Protein change: p.Glu1109=; no amino-acid change (glutamic acid 1109 retained).
Molecular consequence: synonymous variant.
Genome position (GRCh38, 1-based): chr19:40,519,824, G>A. VCF-style: chr19-40519824-G-A. GRCh37 (hg19) VCF-style: chr19-41025731-G-A.
Identifiers: ClinVar variation 2649892 (VCV002649892.22), dbSNP rs1396377474, ClinGen allele CA507682607.

ClinVar aggregate classification (germline): Likely benign (1 of 4 stars; one submission).

Allele frequency attached by ClinVar (database versions not stated): gnomAD exomes below 0.00001.
gnomAD v4.1: 5 of 1,434,294 alleles (0.00035%); highest among the groups gnomAD compares: Non-Finnish European, 0.00045%; no homozygotes.

Submission:

CeGaT Center for Human Genetics Tuebingen
Classification: Likely benign. Last evaluated: 2023-02-01. Review status: criteria provided, single submitter. Criteria: CeGaT Center For Human Genetics Tuebingen Variant Classification Criteria Version 2. Collection method: clinical testing. Allele origin: germline. Affected: yes. Observed: 1 variant allele.
Comment: SPTBN4: BP4, BP7